The following is an entry in ClinVar:

ClinVar aggregate classification (germline): Uncertain significance. Review status: criteria provided, multiple submitters, no conflicts (2 of 4 stars). 2 submissions from 2 submitters: Uncertain significance (2). Last evaluated 2022-12-03.

Conditions:
Hereditary angioedema type 1 (HAE1). Identifiers: Orphanet 100050, Orphanet 100051, Orphanet 91378, MedGen C2717906, MONDO:0015053, OMIM 106100.

Allele frequency attached by ClinVar (database versions not stated): gnomAD exomes below 0.00001 and 0.00001; TOPMed below 0.00001; ExAC 0.00001; ESP Exome Variant Server 0.00008.

Submissions (2):

Labcorp Genetics (formerly Invitae), Labcorp
Classification: Uncertain significance. Last evaluated: 2022-12-03. Review status: criteria provided, single submitter. Criteria: Invitae Variant Classification Sherloc (09022015). Collection method: clinical testing. Allele origin: germline.
Comment: In summary, the available evidence is currently insufficient to determine the role of this variant in disease. Therefore, it has been classified as a Variant of Uncertain Significance. Algorithms developed to predict the effect of missense changes on protein structure and function (SIFT, PolyPhen-2, Align-GVGD) all suggest that this variant is likely to be tolerated. ClinVar contains an entry for this variant (Variation ID: 879935). This variant has not been reported in the literature in individuals affected with SERPING1-related conditions. This variant is present in population databases (rs145436911, gnomAD 0.007%). This sequence change replaces arginine, which is basic and polar, with tryptophan, which is neutral and slightly polar, at codon 241 of the SERPING1 protein (p.Arg241Trp).

Illumina Laboratory Services, Illumina
Classification: Uncertain significance for Hereditary angioedema type 1. Last evaluated: 2018-03-02. Review status: criteria provided, single submitter. Criteria: ICSL Variant Classification Criteria 13 December 2019. Collection method: clinical testing. Allele origin: germline.

NM_000062.3(SERPING1):c.721C>T (p.Arg241Trp)

Gene: SERPING1 (serpin family G member 1; plus strand). Cytogenetic location: 11q12.1.
Variant type: single nucleotide variant.
Coding change: c.721C>T on transcript NM_000062.3 (MANE Select); coding-DNA position 721, C replaced by T.
Protein change: p.Arg241Trp; replaces arginine 241 with tryptophan.
Molecular consequence: missense variant.
Genome position (GRCh38, 1-based): chr11:57,606,045, C>T. VCF-style: chr11-57606045-C-T. GRCh37 (hg19) VCF-style: chr11-57373518-C-T.
Other names: c.721C>T, p.Arg241Trp (NM_001032295.2); short protein forms R241W.
Identifiers: ClinVar variation 879935 (VCV000879935.11), dbSNP rs145436911, ClinGen allele CA6008114.